The following is an entry in ClinVar:

ClinVar aggregate classification (germline): Uncertain significance (1 of 4 stars; one submission).

Submission:

Labcorp Genetics (formerly Invitae), Labcorp
Classification: Uncertain significance. Last evaluated: 2024-07-19. Review status: criteria provided, single submitter. Criteria: Invitae Variant Classification Sherloc (09022015). Collection method: clinical testing. Allele origin: germline.
Comment: This sequence change replaces phenylalanine, which is neutral and non-polar, with valine, which is neutral and non-polar, at codon 263 of the ZNF687 protein (p.Phe263Val). This variant is present in population databases (no rsID available, gnomAD 0.06%). This variant has not been reported in the literature in individuals affected with ZNF687-related conditions. An algorithm developed to predict the effect of missense changes on protein structure and function (PolyPhen-2) suggests that this variant is likely to be tolerated. In summary, the available evidence is currently insufficient to determine the role of this variant in disease. Therefore, it has been classified as a Variant of Uncertain Significance.

NM_020832.3(ZNF687):c.787T>G (p.Phe263Val)

Gene: ZNF687 (zinc finger protein 687; plus strand). Cytogenetic location: 1q21.3.
Variant type: single nucleotide variant.
Coding change: c.787T>G on transcript NM_020832.3 (MANE Select); coding-DNA position 787, T replaced by G.
Protein change: p.Phe263Val; replaces phenylalanine 263 with valine.
Molecular consequence: missense variant.
Genome position (GRCh38, 1-based): chr1:151,287,078, T>G. VCF-style: chr1-151287078-T-G. GRCh37 (hg19) VCF-style: chr1-151259554-T-G.
Other names: c.787T>G, p.Phe263Val (NM_001304763.2, NM_001304764.2); short protein forms F263V.
Identifiers: ClinVar variation 3611066 (VCV003611066.2).